The following is an entry in ClinVar:

NM_003705.5(SLC25A12):c.1193G>T (p.Gly398Val)

Gene: SLC25A12 (solute carrier family 25 member 12; minus strand). Cytogenetic location: 2q31.1.
Variant type: single nucleotide variant.
Coding change: c.1193G>T on transcript NM_003705.5 (MANE Select); coding-DNA position 1193, G replaced by T.
Protein change: p.Gly398Val; replaces glycine 398 with valine.
Molecular consequence: missense variant. On other transcripts: non-coding transcript variant (1).
Genome position (GRCh38, 1-based): chr2:171,810,255, C>A on the plus strand (G>T on the coding strand, the complement: SLC25A12 is on the minus strand). VCF-style: chr2-171810255-C-A. GRCh37 (hg19) VCF-style: chr2-172666765-C-A.
Other names: short protein forms G398V.
Identifiers: ClinVar variation 2201130 (VCV002201130.4), dbSNP rs761361585, ClinGen allele CA1966183.

ClinVar aggregate classification (germline): Uncertain significance (1 of 4 stars; one submission).

Allele frequency attached by ClinVar (database versions not stated): gnomAD exomes below 0.00001; ExAC 0.00002.
gnomAD v4.1: 2 of 1,613,496 alleles (0.00012%); highest among the groups gnomAD compares: Admixed American, 0.0033%; no homozygotes.

Submission:

Labcorp Genetics (formerly Invitae), Labcorp
Classification: Uncertain significance. Last evaluated: 2022-05-12. Review status: criteria provided, single submitter. Criteria: Invitae Variant Classification Sherloc (09022015). Collection method: clinical testing. Allele origin: germline.
Comment: This variant has not been reported in the literature in individuals affected with SLC25A12-related conditions. Algorithms developed to predict the effect of missense changes on protein structure and function are either unavailable or do not agree on the potential impact of this missense change (SIFT: "Tolerated"; PolyPhen-2: "Possibly Damaging"; Align-GVGD: "Class C0"). In summary, the available evidence is currently insufficient to determine the role of this variant in disease. Therefore, it has been classified as a Variant of Uncertain Significance. This sequence change replaces glycine, which is neutral and non-polar, with valine, which is neutral and non-polar, at codon 398 of the SLC25A12 protein (p.Gly398Val). This variant is present in population databases (rs761361585, gnomAD 0.006%).